The following is an entry in ClinVar:

ClinVar aggregate classification (germline): Uncertain significance (1 of 4 stars; one submission).

Submission:

GeneDx
Classification: Uncertain significance. Last evaluated: 2019-06-14. Review status: criteria provided, single submitter. Criteria: GeneDx Variant Classification Process June 2021. Collection method: clinical testing. Allele origin: germline. Affected: yes.
Comment: Not observed in large population cohorts (Lek et al., 2016); In silico analysis, which includes protein predictors and evolutionary conservation, supports a deleterious effect; In silico analysis, which includes splice predictors and evolutionary conservation, suggests this variant may impact gene splicing. In the absence of RNA/functional studies, the actual effect of this sequence change is unknown.; Has not been previously published as pathogenic or benign to our knowledge

NM_001378328.1(CELSR1):c.5017T>G (p.Cys1673Gly)

Gene: CELSR1 (cadherin EGF LAG seven-pass G-type receptor 1; minus strand). Cytogenetic location: 22q13.31.
Variant type: single nucleotide variant.
Coding change: c.5017T>G on transcript NM_001378328.1 (MANE Select); coding-DNA position 5017, T replaced by G.
Protein change: p.Cys1673Gly; replaces cysteine 1673 with glycine.
Molecular consequence: missense variant.
Genome position (GRCh38, 1-based): chr22:46,409,797, A>C on the plus strand (T>G on the coding strand, the complement: CELSR1 is on the minus strand). VCF-style: chr22-46409797-A-C. GRCh37 (hg19) VCF-style: chr22-46805694-A-C.
Other names: c.5017T>G, p.Cys1673Gly (NM_014246.4); short protein forms C1673G.
Identifiers: ClinVar variation 1208224 (VCV001208224.3), dbSNP rs2147327964, ClinGen allele CA411951681.